The following is an entry in ClinVar:

NC_000023.11:g.(?_133753472)_(133754186_?)del

Gene: GPC3 (glypican 3; minus strand). Cytogenetic location: Xq26.2.
Variant type: Deletion.
Identifiers: ClinVar variation 832201 (VCV000832201.1).

ClinVar aggregate classification (germline): Pathogenic (1 of 4 stars; one submission).

Conditions:
Wilms tumor 1 (WT1). Also called: Wilms tumor, somatic. Identifiers: Orphanet 654, MedGen CN033288, MONDO:0008679, OMIM 194070.

Submission:

Labcorp Genetics (formerly Invitae), Labcorp
Classification: Pathogenic for Wilms tumor 1. Last evaluated: 2019-11-15. Review status: criteria provided, single submitter. Criteria: Invitae Variant Classification Sherloc (09022015). Collection method: clinical testing. Allele origin: germline.
Comment: This variant is an out-of-frame deletion of the genomic region encompassing exon 3 of the GPC3 gene. This is expected to create a premature translational stop signal and result in an absent or disrupted protein product. A similar deletion has been reported in a family affected with Simpson Golabi Behmel syndrome (PMID: 8958336). Loss-of-function variants in GPC3 are known to be pathogenic (PMID: 12713262, 17603795). For these reasons, this variant has been classified as Pathogenic.

Literature cited by the submitters: PubMed 8958336.